The following is an entry in ClinVar:

ClinVar aggregate classification (germline): Benign (0 of 4 stars; one submission).

Conditions:
TEX15-related disorder. Also called: TEX15-related condition.

Allele frequency attached by ClinVar (database versions not stated): 1000 Genomes Project 30x 0.06808; 1000 Genomes Project 0.06869; TOPMed 0.06944; ESP Exome Variant Server 0.07310; gnomAD 0.07733; ExAC 0.09190; gnomAD exomes 0.09861.
gnomAD v4.1: 155,947 of 1,613,106 alleles (9.7%); highest among the groups gnomAD compares: Middle Eastern, 14%; 8,160 homozygotes.

Submission:

PreventionGenetics, part of Exact Sciences
Classification: Benign for TEX15-related condition. Last evaluated: 2019-10-18. Review status: no assertion criteria provided. Collection method: clinical testing. Allele origin: germline.
Comment: This variant is classified as benign based on ACMG/AMP sequence variant interpretation guidelines (Richards et al. 2015 PMID: 25741868, with internal and published modifications).

NM_001350162.2(TEX15):c.7085A>G (p.Asn2362Ser)

Gene: TEX15 (testis expressed 15, meiosis and synapsis associated; minus strand). Cytogenetic location: 8p12.
Variant type: single nucleotide variant.
Coding change: c.7085A>G on transcript NM_001350162.2 (MANE Select); coding-DNA position 7085, A replaced by G.
Protein change: p.Asn2362Ser; replaces asparagine 2362 with serine.
Molecular consequence: missense variant.
Genome position (GRCh38, 1-based): chr8:30,843,082, T>C on the plus strand (A>G on the coding strand, the complement: TEX15 is on the minus strand). VCF-style: chr8-30843082-T-C. GRCh37 (hg19) VCF-style: chr8-30700598-T-C.
Other names: c.5936A>G, p.Asn1979Ser (NM_031271.3); short protein forms N1979S, N2362S.
Identifiers: ClinVar variation 3056782 (VCV003056782.2), dbSNP rs61740968, ClinGen allele CA4702566.